The following is an entry in ClinVar:

ClinVar aggregate classification (germline): Uncertain significance. Review status: criteria provided, multiple submitters, no conflicts (2 of 4 stars). 2 submissions from 2 submitters: Uncertain significance (2). Last evaluated 2025-08-12.

Conditions:
Inborn genetic diseases. Identifiers: MedGen C0950123, MeSH D030342.

Allele frequency attached by ClinVar (database versions not stated): ESP Exome Variant Server 0.00008.
gnomAD v4.1: 16 of 1,614,014 alleles (0.00099%); highest among the groups gnomAD compares: African/African-American, 0.019%; no homozygotes.

Submissions (2):

Ambry Genetics
Classification: Uncertain significance for Inborn genetic diseases. Last evaluated: 2025-08-12. Review status: criteria provided, single submitter. Criteria: Ambry Variant Classification Scheme 2023. Collection method: clinical testing. Allele origin: germline.

Labcorp Genetics (formerly Invitae), Labcorp
Classification: Uncertain significance. Last evaluated: 2024-09-23. Review status: criteria provided, single submitter. Criteria: Invitae Variant Classification Sherloc (09022015). Collection method: clinical testing. Allele origin: germline.
Comment: This sequence change replaces serine, which is neutral and polar, with tryptophan, which is neutral and slightly polar, at codon 816 of the DSG1 protein (p.Ser816Trp). The frequency data for this variant in the population databases is considered unreliable, as metrics indicate poor data quality at this position in the gnomAD database. This variant has not been reported in the literature in individuals affected with DSG1-related conditions. ClinVar contains an entry for this variant (Variation ID: 1355699). Invitae Evidence Modeling of protein sequence and biophysical properties (such as structural, functional, and spatial information, amino acid conservation, physicochemical variation, residue mobility, and thermodynamic stability) indicates that this missense variant is not expected to disrupt DSG1 protein function with a negative predictive value of 80%. In summary, the available evidence is currently insufficient to determine the role of this variant in disease. Therefore, it has been classified as a Variant of Uncertain Significance.

NM_001942.4(DSG1):c.2447C>G (p.Ser816Trp)

Genes: DSG1 (desmoglein 1; plus strand), DSG1-AS1 (DSG1 antisense RNA 1; minus strand), LOC126862720 (MED14-independent group 3 enhancer GRCh37_chr18:28933613-28934812; plus strand). Cytogenetic location: 18q12.1.
Variant type: single nucleotide variant.
Coding change: c.2447C>G on transcript NM_001942.4 (MANE Select); coding-DNA position 2447, C replaced by G.
Protein change: p.Ser816Trp; replaces serine 816 with tryptophan.
Molecular consequence: missense variant.
Genome position (GRCh38, 1-based): chr18:31,354,643, C>G. VCF-style: chr18-31354643-C-G. GRCh37 (hg19) VCF-style: chr18-28934606-C-G.
Other names: c.2447C>G (NM_001942.2); short protein forms S816W.
Identifiers: ClinVar variation 1355699 (VCV001355699.7), dbSNP rs372724391, ClinGen allele CA8926360.